The following is an entry in ClinVar:

NM_005633.4(SOS1):c.1074+285G>A

Gene: SOS1 (SOS Ras/Rac guanine nucleotide exchange factor 1; minus strand). Cytogenetic location: 2p22.1.
Variant type: single nucleotide variant.
Coding change: c.1074+285G>A on transcript NM_005633.4 (MANE Select); 285 bases into the intron after coding-DNA position 1074, G replaced by A.
Molecular consequence: intron variant.
Genome position (GRCh38, 1-based): chr2:39,034,927, C>T on the plus strand (G>A on the coding strand, the complement: SOS1 is on the minus strand). VCF-style: chr2-39034927-C-T. GRCh37 (hg19) VCF-style: chr2-39262068-C-T.
Other names: c.1053+285G>A (NM_001382394.1); c.1074+285G>A (NM_001382395.1).
Identifiers: ClinVar variation 561825 (VCV000561825.2), dbSNP rs10153761, ClinGen allele CA11064206.

ClinVar aggregate classification (germline): Benign. Review status: criteria provided, multiple submitters, no conflicts (2 of 4 stars). 2 submissions from 2 submitters: Benign (2). Last evaluated 2018-06-18.

Allele frequency attached by ClinVar (database versions not stated): 1000 Genomes Project 0.89956; 1000 Genomes Project 30x 0.90225; gnomAD exomes 0.91343; gnomAD 0.93385 and 0.93892; TOPMed 0.93523.
gnomAD v4.1: 481,245 of 523,560 alleles (92%); highest among the groups gnomAD compares: African/African-American, 97%; 221,700 homozygotes.

Submissions (2):

GeneDx
Classification: Benign. Last evaluated: 2018-06-18. Review status: criteria provided, single submitter. Criteria: GeneDx Variant Classification (06012015). Collection method: clinical testing. Allele origin: germline. Affected: yes.
Comment: This variant is considered likely benign or benign based on one or more of the following criteria: it is a conservative change, it occurs at a poorly conserved position in the protein, it is predicted to be benign by multiple in silico algorithms, and/or has population frequency not consistent with disease.

Breakthrough Genomics
Classification: Benign. Review status: criteria provided, single submitter. Criteria: ACMG Guidelines, 2015. Collection method: not provided. Allele origin: germline. Inheritance: Autosomal dominant inheritance. Affected: yes.